The following is an entry in ClinVar:

ClinVar aggregate classification (germline): Uncertain significance. Review status: criteria provided, multiple submitters, no conflicts (2 of 4 stars). 2 submissions from 2 submitters: Uncertain significance (2). Last evaluated 2022-03-16.

Conditions:
RYR1-related disorder. Also called: RYR1-related condition; RYR1-related disorders. Identifiers: MedGen CN239331.

Allele frequency attached by ClinVar (database versions not stated): gnomAD exomes below 0.00001; TOPMed below 0.00001.
gnomAD v4.1: 2 of 1,613,948 alleles (0.00012%); highest among the groups gnomAD compares: East Asian, 0.0045%; no homozygotes.

Submissions (2):

Labcorp Genetics (formerly Invitae), Labcorp
Classification: Uncertain significance for RYR1-related disorder. Last evaluated: 2022-03-16. Review status: criteria provided, single submitter. Criteria: Invitae Variant Classification Sherloc (09022015). Collection method: clinical testing. Allele origin: germline.
Comment: This sequence change replaces histidine, which is basic and polar, with arginine, which is basic and polar, at codon 3052 of the RYR1 protein (p.His3052Arg). This variant is present in population databases (no rsID available, gnomAD 0.006%). This variant has not been reported in the literature in individuals affected with RYR1-related conditions. ClinVar contains an entry for this variant (Variation ID: 450834). Advanced modeling of protein sequence and biophysical properties (such as structural, functional, and spatial information, amino acid conservation, physicochemical variation, residue mobility, and thermodynamic stability) performed at Invitae indicates that this missense variant is not expected to disrupt RYR1 protein function. In summary, the available evidence is currently insufficient to determine the role of this variant in disease. Therefore, it has been classified as a Variant of Uncertain Significance.

GeneDx
Classification: Uncertain significance. Last evaluated: 2017-07-26. Review status: criteria provided, single submitter. Criteria: GeneDx Variant Classification (06012015). Collection method: clinical testing. Allele origin: germline. Affected: yes.
Comment: The H3052R variant in the RYR1 gene has not been reported previously as a pathogenic variant, nor as a benign variant, to our knowledge. The H3052R variant is not observed in large population cohorts (Lek et al., 2016; 1000 Genomes Consortium et al., 2015; Exome Variant Server). The H3052R variant is a conservative amino acid substitution, which is not likely to impact secondary protein structure as these residues share similar properties. This substitution occurs at a position that is conserved across species. In silico analysis predicts this variant is probably damaging to the protein structure/function. We interpret H3052R as a variant of uncertain significance.

NM_000540.3(RYR1):c.9155A>G (p.His3052Arg)

Gene: RYR1 (ryanodine receptor 1; plus strand). Cytogenetic location: 19q13.2.
Variant type: single nucleotide variant.
Coding change: c.9155A>G on transcript NM_000540.3 (MANE Select); coding-DNA position 9155, A replaced by G.
Protein change: p.His3052Arg; replaces histidine 3052 with arginine.
Molecular consequence: missense variant.
Genome position (GRCh38, 1-based): chr19:38,511,593, A>G. VCF-style: chr19-38511593-A-G. GRCh37 (hg19) VCF-style: chr19-39002233-A-G.
Other names: c.9155A>G, p.His3052Arg (NM_001042723.2); short protein forms H3052R.
Identifiers: ClinVar variation 450834 (VCV000450834.7), dbSNP rs1171211801, ClinGen allele CA405684505.